The following is an entry in ClinVar:

NM_000179.3(MSH6):c.1040A>T (p.Glu347Val)

Gene: MSH6 (mutS homolog 6; plus strand). Cytogenetic location: 2p16.3.
Variant type: single nucleotide variant.
Coding change: c.1040A>T on transcript NM_000179.3 (MANE Select); coding-DNA position 1040, A replaced by T.
Protein change: p.Glu347Val; replaces glutamic acid 347 with valine.
Molecular consequence: missense variant.
Genome position (GRCh38, 1-based): chr2:47,799,023, A>T. VCF-style: chr2-47799023-A-T. GRCh37 (hg19) VCF-style: chr2-48026162-A-T.
Other names: c.650A>T, p.Glu217Val (NM_001281492.2); c.134A>T, p.Glu45Val (NM_001281493.2, NM_001281494.2); short protein forms E347V, E217V, E45V.
Identifiers: ClinVar variation 1378415 (VCV001378415.6), dbSNP rs2104315582, ClinGen allele CA346741458.
Genomic context (GRCh38, chr2:47,799,023, plus strand): 5'-CTAGCATTTCATCAGAAACCAAGAATACTTTGAGAGCTTTCTCTGCCCCTCAAAATTCTG[A>T]ATCCCAAGCCCACGTTAGTGGAGGTGGTGATGACAGTAGTCGCCCTACTGTTTGGTATCA-3'
Protein context (NP_000170.1, residues 337-357): LRAFSAPQNS[Glu347Val]SQAHVSGGGD

ClinVar aggregate classification (germline): Uncertain significance (1 of 4 stars; one submission).

Conditions:
Hereditary nonpolyposis colorectal neoplasms. Identifiers: MedGen C0009405, MeSH D003123.

Submission:

Labcorp Genetics (formerly Invitae), Labcorp
Classification: Uncertain significance for Hereditary nonpolyposis colorectal neoplasms. Last evaluated: 2021-08-29. Review status: criteria provided, single submitter. Criteria: Invitae Variant Classification Sherloc (09022015). Collection method: clinical testing. Allele origin: germline.
Comment: This sequence change replaces glutamic acid with valine at codon 347 of the MSH6 protein (p.Glu347Val). The glutamic acid residue is moderately conserved and there is a moderate physicochemical difference between glutamic acid and valine. This variant is not present in population databases (ExAC no frequency). This variant has not been reported in the literature in individuals affected with MSH6-related conditions. Advanced modeling of protein sequence and biophysical properties (such as structural, functional, and spatial information, amino acid conservation, physicochemical variation, residue mobility, and thermodynamic stability) performed at Invitae indicates that this missense variant is not expected to disrupt MSH6 protein function. In summary, the available evidence is currently insufficient to determine the role of this variant in disease. Therefore, it has been classified as a Variant of Uncertain Significance.